The following is an entry in ClinVar:

ClinVar aggregate classification (germline): Pathogenic/Likely pathogenic. Review status: criteria provided, multiple submitters, no conflicts (2 of 4 stars). 21 submissions from 20 submitters: Pathogenic (11); Likely pathogenic (9). 1 of the submissions does not count toward it. Last evaluated 2026-08-01.

Conditions:
F7-related disorders.
Congenital factor VII deficiency. Identifiers: Orphanet 327, MedGen C0272320, MONDO:0009211, OMIM 227500.
Myocardial infarction, susceptibility to. Identifiers: MedGen C1832662, MONDO:0012039, OMIM 608446.
F7-related disorder. Also called: F7-related condition.
Factor VII deficiency. Also called: Factor 7 deficiency; F7 DEFICIENCY; HYPOPROCONVERTINEMIA. Identifiers: MedGen C0015503, MeSH D005168, MONDO:0002244.
Abnormal bleeding. Also called: Bleeding diathesis. Identifiers: MedGen C1458140, HP:0001892.

Allele frequency attached by ClinVar (database versions not stated): 1000 Genomes Project 30x 0.00016; ExAC 0.00075; gnomAD 0.00038 and 0.00037; gnomAD exomes 0.00041 and 0.00056; 1000 Genomes Project 0.00020; TOPMed 0.00026.
gnomAD v4.1: 646 of 1,612,734 alleles (0.04%); highest among the groups gnomAD compares: Non-Finnish European, 0.048%; no homozygotes.

Submissions 1 to 15 of 21:

CeGaT Center for Human Genetics Tuebingen
Classification: Pathogenic. Last evaluated: 2026-08-01. Review status: criteria provided, single submitter. Criteria: CeGaT Center For Human Genetics Tuebingen Variant Classification Criteria Version 2. Collection method: clinical testing. Allele origin: germline. Affected: yes. Observed: 5 variant alleles.
Comment: F7: PM3:Very Strong, PM2, PS3:Supporting

Department of Pediatrics, Duzce University
Classification: Pathogenic for Congenital factor VII deficiency. Last evaluated: 2026-07-12. Review status: criteria provided, single submitter. Criteria: ACMG Guidelines, 2015. Collection method: research. Allele origin: germline. Inheritance: Autosomal recessive inheritance. Affected: no. Observed: 1 variant allele, 1 heterozygote.
Comment: VAF 47%; Franklin/Varsome Pathogenic; ClinVar 7 Pathogenic/8 Likely-pathogenic submissions (per lab).

Clinical Genetics Laboratory, Skane University Hospital Lund
Classification: Likely pathogenic for Abnormal bleeding. Last evaluated: 2026-04-08. Review status: criteria provided, single submitter. Criteria: ACMG Guidelines, 2015. Collection method: clinical testing. Allele origin: germline. Affected: yes.
Comment: Detected in a heterozygous state, no compound variant detected. Slightly decreased levels of FVII in blood. ACMG criteria applied: PM2, PM3_very strong.

PreventionGenetics, part of Exact Sciences
Classification: Pathogenic for F7-related condition. Last evaluated: 2026-02-09. Review status: criteria provided, single submitter. Criteria: ACMG Guidelines, 2015. Collection method: clinical testing. Allele origin: germline.
Comment: The F7 c.1061C>T variant is predicted to result in the amino acid substitution p.Ala354Val. This variant, previously described as p.Ala294Val using legacy nomenclature, has been reported in many patients to be causative for recessive Factor VII deficiency (see, for example, Wulff et al. 2000. PubMed ID: 10862079; Millar et al. 2000. PubMed ID: 11129332; Mariani et al. 2005. PubMed ID: 15735798). This variant is reported in 0.10% of alleles in individuals of European (Non-Finnish) descent in gnomAD. This variant is interpreted as pathogenic.

Labcorp Genetics (formerly Invitae), Labcorp
Classification: Pathogenic. Last evaluated: 2026-01-06. Review status: criteria provided, single submitter. Criteria: Invitae Variant Classification Sherloc (09022015). Collection method: clinical testing. Allele origin: germline.
Comment: This sequence change replaces alanine, which is neutral and non-polar, with valine, which is neutral and non-polar, at codon 354 of the F7 protein (p.Ala354Val). This variant is present in population databases (rs36209567, gnomAD 0.1%), and has an allele count higher than expected for a pathogenic variant. This missense change has been observed in individuals with factor VII deficiency (PMID: 7919338, 7981691, 10862079, 15735798). It has also been observed to segregate with disease in related individuals. This variant is also known as Ala294Val. ClinVar contains an entry for this variant (Variation ID: 12076). Invitae Evidence Modeling of protein sequence and biophysical properties (such as structural, functional, and spatial information, amino acid conservation, physicochemical variation, residue mobility, and thermodynamic stability) indicates that this missense variant is not expected to disrupt F7 protein function with a negative predictive value of 80%. For these reasons, this variant has been classified as Pathogenic.

Mayo Clinic Laboratories, Mayo Clinic
Classification: Pathogenic. Last evaluated: 2025-08-15. Review status: criteria provided, single submitter. Criteria: ACMG Guidelines, 2015. Collection method: clinical testing. Allele origin: germline. Observed: 14 variant alleles.
Comment: PM3, PS3, PS4

Revvity Omics, Revvity
Classification: Likely pathogenic for Congenital factor VII deficiency. Last evaluated: 2025-07-18. Review status: criteria provided, single submitter. Criteria: ACMG Guidelines, 2015. Collection method: clinical testing. Allele origin: germline.

GeneDx
Classification: Pathogenic. Last evaluated: 2025-06-05. Review status: criteria provided, single submitter. Criteria: GeneDx Variant Classification Process June 2021. Collection method: clinical testing. Allele origin: germline. Affected: yes.
Comment: Identified in the homozygous state or with a pathogenic variant on the opposite allele in multiple unrelated patients with factor VII activity in the literature (PMID: 15735798, 24533960); In silico analysis supports that this missense variant has a deleterious effect on protein structure/function; Also known as p.(A294V); This variant is associated with the following publications: (PMID: 24533960, 31064749, 22180436, 7981691, 30431218, 31980526, 31589614, 29431110, 29618153, 33406812, 35552711, 36944032, 25582404, 11931672, 18282149, 15456489, 7919338, 10862079, 15735798)

Center for Genomic Medicine, Rigshospitalet, Copenhagen University Hospital
Classification: Likely pathogenic. Last evaluated: 2025-03-04. Review status: criteria provided, single submitter. Criteria: ACMG Guidelines, 2015. Collection method: clinical testing. Allele origin: germline.

Laboratory of Genetics, Children's Clinical University Hospital Latvia
Classification: Pathogenic. Last evaluated: 2025-02-16. Review status: criteria provided, single submitter. Criteria: ACMG Guidelines, 2015. Collection method: clinical testing. Allele origin: germline. Affected: yes.

Blueprint Genetics
Classification: Pathogenic for F7-related disorders. Last evaluated: 2024-11-26. Review status: criteria provided, single submitter. Criteria: ACMG Guidelines, 2015. Collection method: clinical testing. Allele origin: germline. Affected: yes. Observed: 5 variant alleles.

Fulgent Genetics
Classification: Likely pathogenic for Congenital factor VII deficiency; Myocardial infarction, susceptibility to. Last evaluated: 2024-03-23. Review status: criteria provided, single submitter. Criteria: ACMG Guidelines, 2015. Collection method: clinical testing. Allele origin: germline.

Victorian Clinical Genetics Services, Murdoch Childrens Research Institute
Classification: Pathogenic for Congenital factor VII deficiency. Last evaluated: 2023-12-21. Review status: criteria provided, single submitter. Criteria: ACMG Guidelines, 2015. Collection method: clinical testing. Allele origin: germline. Inheritance: Autosomal recessive inheritance. Affected: yes.
Comment: Based on the classification scheme VCGS_Germline_v1.3.4, this variant is classified as Pathogenic. Following criteria are met: 0102 - Loss of function is a known mechanism of disease in this gene and is associated with factor VII deficiency (MIM#227500) and myocardial infarction, decreased susceptibility to (MIM#608446). (I) 0106 - This gene is associated with autosomal recessive disease. (I) 0115 - Variants in this gene are known to have variable expressivity. Patients with the same genotype have been observed with phenotypes ranging from asymptomatic to symptomatic (PMID: 18976247). (I) 0200 - Variant is predicted to result in a missense amino acid change from alanine to valine. (I) 0252 - This variant is homozygous. (I) 0304 - Variant is present in gnomAD (v2) <0.01 for a recessive condition (157 heterozygotes, 0 homozygotes). (SP) 0309 - An alternative amino acid change at the same position has been observed in gnomAD (v2) (3 heterozygotes, 0 homozygotes). (I) 0501 - Missense variant consistently predicted to be damaging by multiple in silico tools. (I) 0600 - Variant is located in the annotated trypsin domain (DECIPHER). (I) 0705 - No comparable missense variants have previous evidence for pathogenicity. (I) 0801 - This variant has strong previous evidence of pathogenicity in unrelated individuals. This variant has been observed in many homozygote individuals, including individuals homozygote for this variant in cis with p.(Pro442Hisfs*32), and in compound heterozygote individuals, with reduced FVII activity. It has also been reported as pathogenic and likely pathogenic in ClinVar; including one VUS classification (PMID: 18976247). (SP) 1208 - Inheritance information for this variant is not currently available in this individual. (I) Legend: (SP) - Supporting pathogenic, (I) - Information, (SB) - Supporting benign

Genetics and Molecular Pathology, SA Pathology
Classification: Likely pathogenic for Congenital factor VII deficiency. Last evaluated: 2022-10-07. Review status: criteria provided, single submitter. Criteria: ACMG Guidelines, 2015. Collection method: clinical testing. Allele origin: germline. Affected: yes.
Comment: The F7 c.995C>T variant is classified as LIKELY PATHOGENIC (PM2_Supporting, PM1, PM3, PP4) The F7 c.995C>T variant is a single nucleotide substitution in exon 8/8 of the F7 gene, which is predicted to change the alanine at position 332 in the protein to valine. This variant is in dbSNP (rs36209567) and is present in population databases at extremely low frequency (0.00002%, AR) (PM2_Supporting). The variant is in a functional domain (PM1). The patient’s phenotype is highly specific for a disease with a single genetic aetiology (biochemical functional assay show low FVII activity) (PP4).

Greenwood Genetic Center Diagnostic Laboratories, Greenwood Genetic Center
Classification: Likely pathogenic. Last evaluated: 2021-02-25. Review status: criteria provided, single submitter. Criteria: ACMG Guidelines, 2015. Collection method: clinical testing. Allele origin: germline. Affected: yes.
Comment: PS3, PM3_Supporting, PP3

NM_019616.4(F7):c.995C>T (p.Ala332Val)

Gene: F7 (coagulation factor VII; plus strand). Cytogenetic location: 13q34.
Variant type: single nucleotide variant.
Coding change: c.995C>T on transcript NM_019616.4 (MANE Select); coding-DNA position 995, C replaced by T.
Protein change: p.Ala332Val; replaces alanine 332 with valine.
Molecular consequence: missense variant. On other transcripts: non-coding transcript variant (1).
Genome position (GRCh38, 1-based): chr13:113,118,668, C>T. VCF-style: chr13-113118668-C-T. GRCh37 (hg19) VCF-style: chr13-113772982-C-T.
Other names: F7, ALA294VAL; A294V; p.Ala332Val; c.1061C>T, p.Ala354Val (NM_000131.5); c.809C>T, p.Ala270Val (NM_001267554.2); short protein forms A354V, A332V, A270V.
Identifiers: ClinVar variation 12076 (VCV000012076.81), dbSNP rs36209567, ClinGen allele CA121850.